The following is an entry in ClinVar:

ClinVar aggregate classification (germline): Pathogenic (1 of 4 stars; one submission).

Submission:

GeneDx
Classification: Pathogenic. Last evaluated: 2016-07-13. Review status: criteria provided, single submitter. Criteria: GeneDx Variant Classification (06012015). Collection method: clinical testing. Allele origin: germline. Affected: yes.
Comment: The c.2470-2 A>G splice site variant in the OCRL gene destroys the canonical splice acceptor site in intron 22. It is predicted to cause abnormal gene splicing, either leading to an abnormal message that is subject to nonsense-mediated mRNA decay, or to an abnormal protein product if the message is used for protein translation. The variant was not observed in approximately 6,500 individuals of European and African American ancestry in the NHLBI Exome Sequencing Project, indicating it is not a common benign variant in these populations.

NM_000276.4(OCRL):c.2470-2A>G

Gene: OCRL (OCRL inositol polyphosphate-5-phosphatase; plus strand). Cytogenetic location: Xq26.1.
Variant type: single nucleotide variant.
Coding change: c.2470-2A>G on transcript NM_000276.4 (MANE Select); the canonical splice acceptor site of the intron before coding-DNA position 2470, A replaced by G.
Molecular consequence: splice acceptor variant.
Genome position (GRCh38, 1-based): chrX:129,589,843, A>G. VCF-style: chrX-129589843-A-G. GRCh37 (hg19) VCF-style: chrX-128723820-A-G.
Other names: c.2473-2A>G (NM_001318784.2); c.2446-2A>G (NM_001587.4).
Identifiers: ClinVar variation 280729 (VCV000280729.2), dbSNP rs886041880, ClinGen allele CA10603403.